The following is an entry in ClinVar:

ClinVar aggregate classification (germline): Conflicting classifications of pathogenicity. Review status: criteria provided, conflicting classifications (1 of 4 stars). 4 submissions from 4 submitters: Uncertain significance (1); Likely benign (3). Last evaluated 2026-09-21.

Conditions:
Nephronophthisis. Also called: Juvenile Nephronophthisis. Identifiers: Orphanet 655, MedGen C0687120, MONDO:0019005, HP:0000090.
Nephronophthisis 4 (NPHP4). Also called: NEPHRONOPHTHISIS 4, JUVENILE. Identifiers: Orphanet 655, MedGen C1847013, MONDO:0011752, OMIM 606966.
Senior-Loken syndrome 4 (SLSN4). Identifiers: Orphanet 3156, MedGen C1846979, MONDO:0011756, OMIM 606996.
NPHP4-related disorder. Also called: NPHP4-related condition; NPHP4-related disorders. Identifiers: MedGen CN239384.

Allele frequency attached by ClinVar (database versions not stated): ExAC 0.00002; gnomAD exomes 0.00003; gnomAD 0.00004 and 0.00005; TOPMed 0.00006; 1000 Genomes Project 30x 0.00016.
gnomAD v4.1: 105 of 1,613,980 alleles (0.0065%); highest among the groups gnomAD compares: Non-Finnish European, 0.0077%; no homozygotes.

Submissions (4):

PreventionGenetics, part of Exact Sciences
Classification: Uncertain significance for NPHP4-related condition. Last evaluated: 2026-09-21. Review status: criteria provided, single submitter. Criteria: ACMG Guidelines, 2015. Collection method: clinical testing. Allele origin: germline.
Comment: The NPHP4 c.4167C>T variant is not predicted to result in an amino acid change (p.=). This variant is predicted to alter splicing based on available splicing prediction programs (SpliceAI, Jaganathan et al. 2019. PubMed ID: 30661751). However, the use of computer prediction programs is not equivalent to functional evidence. To our knowledge, this variant has not been reported in the literature. This variant is reported in 0.0057% of alleles in individuals of Latino descent in gnomAD. At this time, the clinical significance of this variant is uncertain due to the absence of conclusive functional and genetic evidence.

Labcorp Genetics (formerly Invitae), Labcorp
Classification: Likely benign for Nephronophthisis. Last evaluated: 2025-10-23. Review status: criteria provided, single submitter. Criteria: Invitae Variant Classification Sherloc (09022015). Collection method: clinical testing. Allele origin: germline.

Blueprint Genetics
Classification: Likely benign. Last evaluated: 2024-06-26. Review status: criteria provided, single submitter. Criteria: ACMG Guidelines, 2015. Collection method: clinical testing. Allele origin: germline.

Fulgent Genetics
Classification: Likely benign for Nephronophthisis 4; Senior-Loken syndrome 4. Last evaluated: 2021-08-31. Review status: criteria provided, single submitter. Criteria: ACMG Guidelines, 2015. Collection method: clinical testing. Allele origin: unknown.

NM_015102.5(NPHP4):c.4167C>T (p.Ile1389=)

Gene: NPHP4 (nephrocystin 4; minus strand). Cytogenetic location: 1p36.31.
Variant type: single nucleotide variant.
Coding change: c.4167C>T on transcript NM_015102.5 (MANE Select); coding-DNA position 4167, C replaced by T.
Protein change: p.Ile1389=; no amino-acid change (isoleucine 1389 retained).
Molecular consequence: synonymous variant. On other transcripts: non-coding transcript variant (1).
Genome position (GRCh38, 1-based): chr1:5,863,379, G>A on the plus strand (C>T on the coding strand, the complement: NPHP4 is on the minus strand). VCF-style: chr1-5863379-G-A. GRCh37 (hg19) VCF-style: chr1-5923439-G-A.
Other names: c.2628C>T, p.Ile876= (NM_001291593.2); c.2631C>T, p.Ile877= (NM_001291594.2); c.4167C>T (NM_015102.4).
Identifiers: ClinVar variation 1559693 (VCV001559693.11), dbSNP rs776657788, ClinGen allele CA553308.